The following is an entry in ClinVar:

NC_000007.13:g.(117242918_117243585)_(117254768_117267575)dup

Gene: CFTR (CF transmembrane conductance regulator; plus strand). Cytogenetic location: 7q31.2.
Variant type: Duplication.
Identifiers: ClinVar variation 3336327 (VCV003336327.1).

ClinVar aggregate classification (germline): Likely pathogenic (1 of 4 stars; one submission).

Conditions:
Cystic fibrosis (CF). Also called: MUCOVISCIDOSIS. Identifiers: Orphanet 586, MedGen C0010674, MONDO:0009061, OMIM 219700. Disease mechanism: loss of function.

Submission:

Women's Health and Genetics/Laboratory Corporation of America, LabCorp
Classification: Likely pathogenic for Cystic fibrosis. Last evaluated: 2024-05-28. Review status: criteria provided, single submitter. Criteria: LabCorp Variant Classification Summary - May 2015. Collection method: clinical testing. Allele origin: germline.
Comment: Variant summary: The variant involves the duplication of exons 17-21 in the CFTR gene. A presumed nomenclature of c.(2657+1_2658-1)_(3468+1_3469-1)dup has been designated for the purposes of this classification. It is assumed to be a tandem duplication in direct orientation (PMIDs: 25640679, 30054569). This Copy Number Variant (CNV) is expected to alter the reading frame and predicted to result in a truncation or absence of the encoded protein due to nonsense mediated decay (NMD). The variant was absent in 120748 control chromosomes in the gnomAD database (Structural Variants v4.1 dataset). The available data on variant occurrences in the general population are insufficient to allow any conclusion about variant significance. To our knowledge, no occurrence of c.(2657+1_2658-1)_(3468+1_3469-1)dup in individuals affected with Cystic Fibrosis and no experimental evidence demonstrating its impact on protein function have been reported. No submitters have cited clinical-significance assessments for this variant to ClinVar. Based on the evidence outlined above, the variant was classified as likely pathogenic.